The following is an entry in ClinVar:

ClinVar aggregate classification (germline): Uncertain significance. Review status: criteria provided, multiple submitters, no conflicts (2 of 4 stars). 2 submissions from 2 submitters: Uncertain significance (2). Last evaluated 2025-10-23.

Conditions:
Cardiovascular phenotype. Identifiers: MedGen CN230736.

Allele frequency attached by ClinVar (database versions not stated): TOPMed below 0.00001.
gnomAD v4.1: 1 of 1,614,104 alleles (0.000062%); highest among the groups gnomAD compares: Non-Finnish European, 0.000085%; no homozygotes.

Submissions (2):

Ambry Genetics
Classification: Uncertain significance for Cardiovascular phenotype. Last evaluated: 2025-10-23. Review status: criteria provided, single submitter. Criteria: Ambry Variant Classification Scheme 2023. Collection method: clinical testing. Allele origin: germline.

Labcorp Genetics (formerly Invitae), Labcorp
Classification: Uncertain significance. Last evaluated: 2025-02-27. Review status: criteria provided, single submitter. Criteria: Invitae Variant Classification Sherloc (09022015). Collection method: clinical testing. Allele origin: germline.
Comment: This sequence change replaces threonine, which is neutral and polar, with asparagine, which is neutral and polar, at codon 1660 of the ALPK3 protein (p.Thr1660Asn). This variant is not present in population databases (gnomAD no frequency). This variant has not been reported in the literature in individuals affected with ALPK3-related conditions. ClinVar contains an entry for this variant (Variation ID: 1744505). Invitae Evidence Modeling of protein sequence and biophysical properties (such as structural, functional, and spatial information, amino acid conservation, physicochemical variation, residue mobility, and thermodynamic stability) indicates that this missense variant is not expected to disrupt ALPK3 protein function with a negative predictive value of 80%. In summary, the available evidence is currently insufficient to determine the role of this variant in disease. Therefore, it has been classified as a Variant of Uncertain Significance.

NM_020778.5(ALPK3):c.4373C>A (p.Thr1458Asn)

Gene: ALPK3 (alpha kinase 3; plus strand). Cytogenetic location: 15q25.3.
Variant type: single nucleotide variant.
Coding change: c.4373C>A on transcript NM_020778.5 (MANE Select); coding-DNA position 4373, C replaced by A.
Protein change: p.Thr1458Asn; replaces threonine 1458 with asparagine.
Molecular consequence: missense variant.
Genome position (GRCh38, 1-based): chr15:84,862,878, C>A. VCF-style: chr15-84862878-C-A. GRCh37 (hg19) VCF-style: chr15-85406109-C-A.
Other names: short protein forms T1458N.
Identifiers: ClinVar variation 1744505 (VCV001744505.5), dbSNP rs1963964290, ClinGen allele CA393363404.
Genomic context (GRCh38, chr15:84,862,878, plus strand): 5'-CGGGCCGCACGTGCATCATCAAGGTGTCCAGCCTGCTTGTGTTTGGGCCCAGCAGTGAGA[C>A]TTCTCTTGTGGGCAGAAACTACGACGTCACCATCCAGGTACTATGTCCCATCTTCACACC-3'
Protein context (NP_065829.4, residues 1448-1468): SLLVFGPSSE[Thr1458Asn]SLVGRNYDVT